The following is an entry in ClinVar:

ClinVar aggregate classification (germline): Uncertain significance (1 of 4 stars; one submission).

Conditions:
Familial hemophagocytic lymphohistiocytosis 3 (FHL3). Also called: UNC13D-Related Familial Hemophagocytic Lymphohistiocytosis (UNC13D-fHLH). Identifiers: Orphanet 540, MedGen C1837174, MONDO:0012146, OMIM 608898.

Allele frequency attached by ClinVar (database versions not stated): gnomAD exomes below 0.00001; TOPMed 0.00001.
gnomAD v4.1: 2 of 1,613,968 alleles (0.00012%); highest among the groups gnomAD compares: African/African-American, 0.0027%; no homozygotes.

Submission:

Labcorp Genetics (formerly Invitae), Labcorp
Classification: Uncertain significance for Familial hemophagocytic lymphohistiocytosis 3. Last evaluated: 2019-07-04. Review status: criteria provided, single submitter. Criteria: Invitae Variant Classification Sherloc (09022015). Collection method: clinical testing. Allele origin: germline.
Comment: This sequence change replaces leucine with methionine at codon 623 of the UNC13D protein (p.Leu623Met). The leucine residue is weakly conserved and there is a small physicochemical difference between leucine and methionine. This variant is not present in population databases (ExAC no frequency). This variant has not been reported in the literature in individuals with UNC13D-related conditions. Algorithms developed to predict the effect of missense changes on protein structure and function (SIFT, PolyPhen-2, Align-GVGD) all suggest that this variant is likely to be tolerated, but these predictions have not been confirmed by published functional studies and their clinical significance is uncertain. In summary, the available evidence is currently insufficient to determine the role of this variant in disease. Therefore, it has been classified as a Variant of Uncertain Significance.

NM_199242.3(UNC13D):c.1867C>A (p.Leu623Met)

Gene: UNC13D (unc-13 homolog D; minus strand). Cytogenetic location: 17q25.1.
Variant type: single nucleotide variant.
Coding change: c.1867C>A on transcript NM_199242.3 (MANE Select); coding-DNA position 1867, C replaced by A.
Protein change: p.Leu623Met; replaces leucine 623 with methionine.
Molecular consequence: missense variant.
Genome position (GRCh38, 1-based): chr17:75,835,045, G>T on the plus strand (C>A on the coding strand, the complement: UNC13D is on the minus strand). VCF-style: chr17-75835045-G-T. GRCh37 (hg19) VCF-style: chr17-73831126-G-T.
Other names: short protein forms L623M.
Identifiers: ClinVar variation 945579 (VCV000945579.1), dbSNP rs1461192239, ClinGen allele CA401091791.